The following is an entry in ClinVar:

NM_004859.4(CLTC):c.3793G>T (p.Glu1265Ter)

Gene: CLTC (clathrin heavy chain; plus strand). Cytogenetic location: 17q23.1.
Variant type: single nucleotide variant.
Coding change: c.3793G>T on transcript NM_004859.4 (MANE Select); coding-DNA position 3793, G replaced by T.
Protein change: p.Glu1265Ter; replaces glutamic acid 1265 with a stop codon.
Molecular consequence: nonsense.
Genome position (GRCh38, 1-based): chr17:59,682,934, G>T. VCF-style: chr17-59682934-G-T. GRCh37 (hg19) VCF-style: chr17-57760295-G-T.
Other names: c.3805G>T, p.Glu1269Ter (NM_001288653.2); short protein forms E1265*, E1269*.
Identifiers: ClinVar variation 4856411 (VCV004856411.1).

ClinVar aggregate classification (germline): Pathogenic (1 of 4 stars; one submission).

Conditions:
Intellectual developmental disorder, autosomal dominant 56. Also called: MENTAL RETARDATION, AUTOSOMAL DOMINANT 56; Intellectual disability, autosomal dominant 56. Identifiers: MedGen C4693389, MONDO:0030922, OMIM 617854.

Submission:

Gansu Provincial Maternity and Child Care Hospital
Classification: Pathogenic for Intellectual developmental disorder, autosomal dominant 56. Last evaluated: 2026-06-02. Review status: criteria provided, single submitter. Criteria: ACMG Guidelines, 2015. Collection method: clinical testing. Allele origin: de novo. Inheritance: Autosomal dominant inheritance. Affected: yes.
Comment: The c.3793G>T variant is a nonsense variant (PVS1). Parental verification confirmed it as a de novo variant (PS2). This site is not recorded in the gnomAD database (PM2_supporting).This variant is classified as pathogenic.